The following is an entry in ClinVar:

ClinVar aggregate classification (germline): Uncertain significance (1 of 4 stars; one submission).

Submission:

Labcorp Genetics (formerly Invitae), Labcorp
Classification: Uncertain significance. Last evaluated: 2021-12-14. Review status: criteria provided, single submitter. Criteria: Invitae Variant Classification Sherloc (09022015). Collection method: clinical testing. Allele origin: germline.
Comment: This sequence change replaces proline, which is neutral and non-polar, with arginine, which is basic and polar, at codon 1216 of the COL2A1 protein (p.Pro1216Arg). This variant is not present in population databases (gnomAD no frequency). This variant has not been reported in the literature in individuals affected with COL2A1-related conditions. Algorithms developed to predict the effect of missense changes on protein structure and function are either unavailable or do not agree on the potential impact of this missense change (SIFT: "Deleterious"; PolyPhen-2: "Not Available"; Align-GVGD: "Class C65"). In summary, the available evidence is currently insufficient to determine the role of this variant in disease. Therefore, it has been classified as a Variant of Uncertain Significance.

NM_001844.5(COL2A1):c.3647C>G (p.Pro1216Arg)

Gene: COL2A1 (collagen type II alpha 1 chain; minus strand). Cytogenetic location: 12q13.11.
Variant type: single nucleotide variant.
Coding change: c.3647C>G on transcript NM_001844.5 (MANE Select); coding-DNA position 3647, C replaced by G.
Protein change: p.Pro1216Arg; replaces proline 1216 with arginine.
Molecular consequence: missense variant.
Genome position (GRCh38, 1-based): chr12:47,975,556, G>C on the plus strand (C>G on the coding strand, the complement: COL2A1 is on the minus strand). VCF-style: chr12-47975556-G-C. GRCh37 (hg19) VCF-style: chr12-48369339-G-C.
Other names: c.3440C>G, p.Pro1147Arg (NM_033150.3); short protein forms P1147R, P1216R.
Identifiers: ClinVar variation 1396986 (VCV001396986.6), dbSNP rs1418851351, ClinGen allele CA384537064.